The following is an entry in ClinVar:

NM_000138.5(FBN1):c.2846T>C (p.Ile949Thr)

Gene: FBN1 (fibrillin 1; minus strand). Cytogenetic location: 15q21.1.
Variant type: single nucleotide variant.
Coding change: c.2846T>C on transcript NM_000138.5 (MANE Select); coding-DNA position 2846, T replaced by C.
Protein change: p.Ile949Thr; replaces isoleucine 949 with threonine.
Molecular consequence: missense variant.
Genome position (GRCh38, 1-based): chr15:48,492,469, A>G on the plus strand (T>C on the coding strand, the complement: FBN1 is on the minus strand). VCF-style: chr15-48492469-A-G. GRCh37 (hg19) VCF-style: chr15-48784666-A-G.
Other names: c.2846T>C, p.Ile949Thr (NM_001406716.1); short protein forms I949T.
Identifiers: ClinVar variation 3386829 (VCV003386829.1).

ClinVar aggregate classification (germline): Uncertain significance (1 of 4 stars; one submission).

Conditions:
Marfan syndrome (MFS). Also called: MARFAN SYNDROME, TYPE I; Marfan syndrome type 1; Marfan's syndrome; FBN1-Related Marfan Syndrome; Marfan syndrome, classic. Identifiers: Orphanet 284963, Orphanet 558, MedGen C0024796, MONDO:0007947, OMIM 154700.

Submission:

All of Us Research Program, National Institutes of Health
Classification: Uncertain significance for Marfan syndrome. Last evaluated: 2024-03-05. Review status: criteria provided, single submitter. Criteria: ACMG Guidelines, 2015. Collection method: clinical testing. Allele origin: germline. Inheritance: Autosomal dominant inheritance. Observed: 1 variant allele, 1 heterozygote.
Comment: This study involves interpretation of variants in research participants for the purpose of population health screening. Participant phenotype was not available at the time of variant classification. Additional details can be found in publication PMID: 35346344, PMCID: PMC8962531